The following is an entry in ClinVar:

NM_000059.4(BRCA2):c.7516C>T (p.Gln2506Ter)

Gene: BRCA2 (BRCA2 DNA repair associated; plus strand). Cytogenetic location: 13q13.1.
Variant type: single nucleotide variant.
Coding change: c.7516C>T on transcript NM_000059.4 (MANE Select); coding-DNA position 7516, C replaced by T.
Protein change: p.Gln2506Ter; replaces glutamine 2506 with a stop codon.
Molecular consequence: nonsense.
Genome position (GRCh38, 1-based): chr13:32,356,508, C>T. VCF-style: chr13-32356508-C-T. GRCh37 (hg19) VCF-style: chr13-32930645-C-T.
Other names: 7744C>T; short protein forms Q2506*.
Identifiers: ClinVar variation 230556 (VCV000230556.20), dbSNP rs876658631, ClinGen allele CA10579742.

ClinVar aggregate classification (germline): Pathogenic. Review status: reviewed by expert panel (3 of 4 stars). 6 submissions from 6 submitters: Pathogenic (1). 5 of the submissions do not count toward it. Last evaluated 2016-10-18.

Conditions:
Hereditary cancer-predisposing syndrome. Also called: Hereditary Cancer Syndrome; Neoplastic Syndromes, Hereditary; Tumor predisposition; Hereditary neoplastic syndrome. Identifiers: Orphanet 140162, MedGen C0027672, MeSH D009386, MONDO:0015356.
Breast-ovarian cancer, familial, susceptibility to, 2 (BROVCA2). Also called: BRCA2 Hereditary Breast and Ovarian Cancer. Identifiers: Orphanet 145, MedGen C2675520, MONDO:0012933, OMIM 612555. Disease mechanism: loss of function.
Hereditary breast ovarian cancer syndrome. Also called: Hereditary breast and/or ovarian cancer syndrome; BRCA1- and BRCA2-Associated Hereditary Breast and Ovarian Cancer; Hereditary breast and ovarian cancer syndrome (HBOC); Hereditary breast and ovarian cancer; Hereditary breast and ovarian cancer syndrome; Breast and ovarian cancer. Identifiers: Orphanet 145, MedGen C0677776, MeSH D061325, MONDO:0003582. Disease mechanism: loss of function.

Allele frequency attached by ClinVar (database versions not stated): TOPMed below 0.00001; gnomAD exomes below 0.00001.
gnomAD v4.1: 1 of 1,614,244 alleles (0.000062%); highest among the groups gnomAD compares: Non-Finnish European, 0.000085%; no homozygotes.

Submissions (6):

Evidence-based Network for the Interpretation of Germline Mutant Alleles (ENIGMA)
Classification: Pathogenic for Breast-ovarian cancer, familial, susceptibility to, 2. Last evaluated: 2016-10-18. Review status: reviewed by expert panel. Criteria: ENIGMA BRCA1/2 Classification Criteria (2015). Collection method: curation. Allele origin: germline.
Comment: Variant allele predicted to encode a truncated non-functional protein.

Labcorp Genetics (formerly Invitae), Labcorp
Classification: Pathogenic for Hereditary breast ovarian cancer syndrome. Last evaluated: 2025-10-18. Review status: criteria provided, single submitter. Criteria: Invitae Variant Classification Sherloc (09022015). Collection method: clinical testing. Allele origin: germline. Not counted in ClinVar's aggregate classification.
Comment: This sequence change creates a premature translational stop signal (p.Gln2506*) in the BRCA2 gene. It is expected to result in an absent or disrupted protein product. Loss-of-function variants in BRCA2 are known to be pathogenic (PMID: 20104584). This variant is not present in population databases (gnomAD no frequency). This premature translational stop signal has been observed in individual(s) with a personal and/or family history of breast and/or ovarian cancer (PMID: 25863477). ClinVar contains an entry for this variant (Variation ID: 230556). For these reasons, this variant has been classified as Pathogenic.

Ambry Genetics
Classification: Pathogenic for Hereditary cancer-predisposing syndrome. Last evaluated: 2024-11-12. Review status: criteria provided, single submitter. Criteria: Ambry Variant Classification Scheme 2023. Collection method: clinical testing. Allele origin: germline. Not counted in ClinVar's aggregate classification.
Comment: The p.Q2506* pathogenic mutation (also known as c.7516C>T), located in coding exon 14 of the BRCA2 gene, results from a C to T substitution at nucleotide position 7516. This changes the amino acid from a glutamine to a stop codon within coding exon 14. This variant is considered to be rare based on population cohorts in the Genome Aggregation Database (gnomAD). In addition to the clinical data presented in the literature, this alteration is expected to result in loss of function by premature protein truncation or nonsense-mediated mRNA decay. As such, this alteration is interpreted as a disease-causing mutation.

Women's Health and Genetics/Laboratory Corporation of America, LabCorp
Classification: Pathogenic for Hereditary breast ovarian cancer syndrome. Last evaluated: 2023-03-13. Review status: criteria provided, single submitter. Criteria: LabCorp Variant Classification Summary - May 2015. Collection method: clinical testing. Allele origin: germline. Not counted in ClinVar's aggregate classification.
Comment: Variant summary: BRCA2 c.7516C>T (p.Gln2506X) results in a premature termination codon, predicted to cause a truncation of the encoded protein or absence of the protein due to nonsense mediated decay, which are commonly known mechanisms for disease. The variant was absent in 251388 control chromosomes (gnomAD). c.7516C>T has been reported in the literature in individuals affected with personal and/or family history of breast- or ovarian cancer (e.g. Kang_2015, Rebbeck_2018, Bhaskaran_2019, Dorling_2021). These data indicate that the variant is likely associated with disease. To our knowledge, no experimental evidence demonstrating an impact on protein function has been reported. Four submitters, including an expert panel (ENIGMA), have provided clinical-significance assessments for this variant in ClinVar after 2014, and all classified the variant as pathogenic. Based on the evidence outlined above, the variant was classified as pathogenic.

Consortium of Investigators of Modifiers of BRCA1/2 (CIMBA), c/o University of Cambridge
Classification: Pathogenic for Breast-ovarian cancer, familial, susceptibility to, 2. Last evaluated: 2015-10-02. Review status: criteria provided, single submitter. Criteria: CIMBA Mutation Classification guidelines May 2016. Collection method: clinical testing. Allele origin: germline. Not counted in ClinVar's aggregate classification.

Research Molecular Genetics Laboratory, Women's College Hospital, University of Toronto
Classification: Pathogenic for Hereditary breast ovarian cancer syndrome. Last evaluated: 2014-01-31. Review status: no assertion criteria provided. Collection method: research. Allele origin: germline. Affected: yes. Study: The Canadian Open Genetics Repository (COGR). Not counted in ClinVar's aggregate classification.

Literature cited by the submitters: PubMed 20104584 (cited by Labcorp Genetics (formerly Invitae), Labcorp); PubMed 25863477 (cited by 3 submitters); PubMed 29446198 (cited by Women's Health and Genetics/Laboratory Corporation of America, LabCorp); PubMed 30702160 (cited by Women's Health and Genetics/Laboratory Corporation of America, LabCorp); PubMed 33471991 (cited by Women's Health and Genetics/Laboratory Corporation of America, LabCorp).